The following is an entry in ClinVar:

NM_005619.5(RTN2):c.1141G>A (p.Ala381Thr)

Genes: OPA3-RTN2 (OPA3-RTN2 readthrough; minus strand), RTN2 (reticulon 2; minus strand). Cytogenetic location: 19q13.32.
Variant type: single nucleotide variant.
Coding change: c.1141G>A on transcript NM_005619.5 (MANE Select); coding-DNA position 1141, G replaced by A.
Protein change: p.Ala381Thr; replaces alanine 381 with threonine.
Molecular consequence: missense variant.
Genome position (GRCh38, 1-based): chr19:45,489,446, C>T on the plus strand (G>A on the coding strand, the complement: RTN2 is on the minus strand). VCF-style: chr19-45489446-C-T. GRCh37 (hg19) VCF-style: chr19-45992704-C-T.
Other names: c.922G>A, p.Ala308Thr (NM_206900.3); c.121G>A, p.Ala41Thr (NM_206901.3); short protein forms A381T, A41T, A308T.
Identifiers: ClinVar variation 2151462 (VCV002151462.4), dbSNP rs142458832, ClinGen allele CA9516073.

ClinVar aggregate classification (germline): Uncertain significance (1 of 4 stars; one submission).

Conditions:
Spastic paraplegia. Identifiers: MedGen C0037772, HP:0001258.

Allele frequency attached by ClinVar (database versions not stated): ExAC 0.00001; gnomAD 0.00001; gnomAD exomes 0.00001; TOPMed 0.00003; ESP Exome Variant Server 0.00008.
gnomAD v4.1: 15 of 1,611,722 alleles (0.00093%); highest among the groups gnomAD compares: East Asian, 0.0089%; no homozygotes.

Submission:

Labcorp Genetics (formerly Invitae), Labcorp
Classification: Uncertain significance for Spastic paraplegia. Last evaluated: 2025-01-13. Review status: criteria provided, single submitter. Criteria: Invitae Variant Classification Sherloc (09022015). Collection method: clinical testing. Allele origin: germline.
Comment: This sequence change replaces alanine, which is neutral and non-polar, with threonine, which is neutral and polar, at codon 381 of the RTN2 protein (p.Ala381Thr). The frequency data for this variant in the population databases is considered unreliable, as metrics indicate poor data quality at this position in the gnomAD database. This variant has not been reported in the literature in individuals affected with RTN2-related conditions. ClinVar contains an entry for this variant (Variation ID: 2151462). An algorithm developed to predict the effect of missense changes on protein structure and function (PolyPhen-2) suggests that this variant is likely to be disruptive. In summary, the available evidence is currently insufficient to determine the role of this variant in disease. Therefore, it has been classified as a Variant of Uncertain Significance.